The following is an entry in ClinVar:

NM_004646.4(NPHS1):c.2072-6C>G

Gene: NPHS1 (NPHS1 adhesion molecule, nephrin; minus strand). Cytogenetic location: 19q13.12.
Variant type: single nucleotide variant.
Coding change: c.2072-6C>G on transcript NM_004646.4 (MANE Select); 6 bases into the intron before coding-DNA position 2072, C replaced by G.
Molecular consequence: intron variant.
Genome position (GRCh38, 1-based): chr19:35,844,249, G>C on the plus strand (C>G on the coding strand, the complement: NPHS1 is on the minus strand). VCF-style: chr19-35844249-G-C. GRCh37 (hg19) VCF-style: chr19-36335151-G-C.
Identifiers: ClinVar variation 56461 (VCV000056461.11), dbSNP rs200253809, ClinGen allele CA250166.

ClinVar aggregate classification (germline): Conflicting classifications of pathogenicity. Review status: criteria provided, conflicting classifications (1 of 4 stars). 3 submissions from 3 submitters: Likely pathogenic (1); Uncertain significance (1). 1 of the submissions does not count toward it. Last evaluated 2024-03-10.

Conditions:
Finnish congenital nephrotic syndrome (NPHS1). Also called: NEPHROTIC SYNDROME, TYPE 1. Identifiers: Orphanet 839, MedGen C0403399, MONDO:0009732, OMIM 256300.

Allele frequency attached by ClinVar (database versions not stated): TOPMed 0.00004.
gnomAD v4.1: 18 of 1,613,468 alleles (0.0011%); highest among the groups gnomAD compares: Admixed American, 0.0017%; no homozygotes.

Submissions (3):

Labcorp Genetics (formerly Invitae), Labcorp
Classification: Likely pathogenic. Last evaluated: 2024-03-10. Review status: criteria provided, single submitter. Criteria: Invitae Variant Classification Sherloc (09022015). Collection method: clinical testing. Allele origin: germline.
Comment: This sequence change falls in intron 15 of the NPHS1 gene. It does not directly change the encoded amino acid sequence of the NPHS1 protein. This variant is present in population databases (rs200253809, gnomAD 0.002%). This variant has been observed in individual(s) with nephrotic syndrome (PMID: 18614772, 29474669). In at least one individual the data is consistent with being in trans (on the opposite chromosome) from a pathogenic variant. ClinVar contains an entry for this variant (Variation ID: 56461). Algorithms developed to predict the effect of sequence changes on RNA splicing suggest that this variant may disrupt the consensus splice site. In summary, the currently available evidence indicates that the variant is pathogenic, but additional data are needed to prove that conclusively. Therefore, this variant has been classified as Likely Pathogenic.

Victorian Clinical Genetics Services, Murdoch Childrens Research Institute
Classification: Uncertain significance for Finnish congenital nephrotic syndrome. Last evaluated: 2022-02-02. Review status: criteria provided, single submitter. Criteria: ACMG Guidelines, 2015. Collection method: clinical testing. Allele origin: germline. Inheritance: Autosomal recessive inheritance. Affected: yes.
Comment: Based on the classification scheme VCGS_Germline_v1.3.4, this variant is classified as VUS-3A. Following criteria are met: 0102 - Loss of function is a known mechanism of disease in this gene and is associated with type 1 nephrotic syndrome (MIM#256300). (I) 0106 - This gene is associated with autosomal recessive disease. (I) 0212 - Non-canonical splice site variant without proven consequence on splicing (no functional evidence available). (SP) 0251 - This variant is heterozygous. (I) 0304 - Variant is present in gnomAD (v2) <0.01 for a recessive condition (2 heterozygotes, 0 homozygotes). (SP) 0508 - Abnormal splicing is predicted by in silico tools however the affected nucleotide is poorly conserved. (I) 0709 - Other non-canonical splice site variants comparable to the one identified in this case have strong previous evidence for being benign. The c.2072-6C>A variant has been reported as likely benign while the c.2072-6C>T variant has been reported as a VUS, likely benign and benign (ClinVar). (SB) 0803 - This variant has limited previous evidence of pathogenicity in unrelated individuals. It has been reported in three individuals with nephrotic syndrome in a compound heterozygous state, including two individuals who also had the p.(Pro519Ser) variant on the same allele (PMIDs: 18614772, 29474669). It has also been reported as likely pathogenic once in ClinVar. (SP) 0905 - No published segregation evidence has been identified for this variant. (I) 1007 - No published functional evidence has been identified for this variant. (I) 1208 - Inheritance information for this variant is not currently available in this individual. (I) Legend: (SP) - Supporting pathogenic, (I) - Information, (SB) - Supporting benign

Juha Muilu Group; Institute for Molecular Medicine Finland (FIMM)
Classification: Likely pathogenic for Finnish congenital nephrotic syndrome. Review status: no assertion criteria provided. Collection method: not provided. Allele origin: unknown. Not counted in ClinVar's aggregate classification.
Comment: FinDis database variant: This variant was not found or characterized by our laboratory, data were collected from public sources: see reference
ClinVar note: Converted during submission from probable-pathogenic to Likely pathogenic.

Literature cited by the submitters: PubMed 18614772 (cited by Labcorp Genetics (formerly Invitae), Labcorp and Victorian Clinical Genetics Services, Murdoch Childrens Research Institute); PubMed 29474669 (cited by Labcorp Genetics (formerly Invitae), Labcorp and Victorian Clinical Genetics Services, Murdoch Childrens Research Institute).